The following is an entry in ClinVar:

ClinVar aggregate classification (germline): Uncertain significance (1 of 4 stars; one submission).

gnomAD v4.1: 1 of 1,614,136 alleles (0.000062%); highest among the groups gnomAD compares: Admixed American, 0.0017%; no homozygotes.

Submission:

Labcorp Genetics (formerly Invitae), Labcorp
Classification: Uncertain significance. Last evaluated: 2021-08-03. Review status: criteria provided, single submitter. Criteria: Invitae Variant Classification Sherloc (09022015). Collection method: clinical testing. Allele origin: germline.
Comment: In summary, the available evidence is currently insufficient to determine the role of this variant in disease. Therefore, it has been classified as a Variant of Uncertain Significance. Algorithms developed to predict the effect of missense changes on protein structure and function (SIFT, PolyPhen-2, Align-GVGD) all suggest that this variant is likely to be tolerated, but these predictions have not been confirmed by published functional studies and their clinical significance is uncertain. This variant has not been reported in the literature in individuals with EIF2AK3-related conditions. This variant is not present in population databases (ExAC no frequency). This sequence change replaces serine with phenylalanine at codon 1106 of the EIF2AK3 protein (p.Ser1106Phe). The serine residue is weakly conserved and there is a large physicochemical difference between serine and phenylalanine.

NM_004836.7(EIF2AK3):c.3317C>T (p.Ser1106Phe)

Genes: EIF2AK3 (eukaryotic translation initiation factor 2 alpha kinase 3; minus strand), EIF2AK3-AS1 (EIF2AK3 antisense RNA 1; plus strand). Cytogenetic location: 2p11.2.
Variant type: single nucleotide variant.
Coding change: c.3317C>T on transcript NM_004836.7 (MANE Select); coding-DNA position 3317, C replaced by T.
Protein change: p.Ser1106Phe; replaces serine 1106 with phenylalanine.
Molecular consequence: missense variant.
Genome position (GRCh38, 1-based): chr2:88,557,770, G>A on the plus strand (C>T on the coding strand, the complement: EIF2AK3 is on the minus strand). VCF-style: chr2-88557770-G-A. GRCh37 (hg19) VCF-style: chr2-88857288-G-A.
Other names: c.2864C>T, p.Ser955Phe (NM_001313915.2); short protein forms S1106F, S955F.
Identifiers: ClinVar variation 1518861 (VCV001518861.8), dbSNP rs747073375, ClinGen allele CA347583384.